The following is an entry in ClinVar:

NM_004863.4(SPTLC2):c.1015G>A (p.Ala339Thr)

Gene: SPTLC2 (serine palmitoyltransferase long chain base subunit 2; minus strand). Cytogenetic location: 14q24.3.
Variant type: single nucleotide variant.
Coding change: c.1015G>A on transcript NM_004863.4 (MANE Select); coding-DNA position 1015, G replaced by A.
Protein change: p.Ala339Thr; replaces alanine 339 with threonine.
Molecular consequence: missense variant.
Genome position (GRCh38, 1-based): chr14:77,555,461, C>T on the plus strand (G>A on the coding strand, the complement: SPTLC2 is on the minus strand). VCF-style: chr14-77555461-C-T. GRCh37 (hg19) VCF-style: chr14-78021804-C-T.
Other names: short protein forms A339T.
Identifiers: ClinVar variation 2107535 (VCV002107535.4), dbSNP rs2503486938, ClinGen allele CA390709012.

ClinVar aggregate classification (germline): Uncertain significance (1 of 4 stars; one submission).

Conditions:
Neuropathy, hereditary sensory and autonomic, type 1C. Also called: HSAN IC; HSN IC. Identifiers: Orphanet 36386, MedGen C3150896, MONDO:0013337, OMIM 613640.

Submission:

Labcorp Genetics (formerly Invitae), Labcorp
Classification: Uncertain significance for Neuropathy, hereditary sensory and autonomic, type 1C. Last evaluated: 2022-03-08. Review status: criteria provided, single submitter. Criteria: Invitae Variant Classification Sherloc (09022015). Collection method: clinical testing. Allele origin: germline.
Comment: In summary, the available evidence is currently insufficient to determine the role of this variant in disease. Therefore, it has been classified as a Variant of Uncertain Significance. Algorithms developed to predict the effect of missense changes on protein structure and function are either unavailable or do not agree on the potential impact of this missense change (SIFT: "Tolerated"; PolyPhen-2: "Possibly Damaging"; Align-GVGD: "Class C0"). This variant has not been reported in the literature in individuals affected with SPTLC2-related conditions. This variant is not present in population databases (gnomAD no frequency). This sequence change replaces alanine, which is neutral and non-polar, with threonine, which is neutral and polar, at codon 339 of the SPTLC2 protein (p.Ala339Thr).